The following is an entry in ClinVar:

ClinVar aggregate classification (germline): Uncertain significance (1 of 4 stars; one submission).

Submission:

Labcorp Genetics (formerly Invitae), Labcorp
Classification: Uncertain significance. Last evaluated: 2022-02-05. Review status: criteria provided, single submitter. Criteria: Invitae Variant Classification Sherloc (09022015). Collection method: clinical testing. Allele origin: germline.
Comment: Advanced modeling of protein sequence and biophysical properties (such as structural, functional, and spatial information, amino acid conservation, physicochemical variation, residue mobility, and thermodynamic stability) performed at Invitae indicates that this missense variant is not expected to disrupt FAT4 protein function. This variant has not been reported in the literature in individuals affected with FAT4-related conditions. This variant is not present in population databases (gnomAD no frequency). This sequence change replaces glycine, which is neutral and non-polar, with arginine, which is basic and polar, at codon 2591 of the FAT4 protein (p.Gly2591Arg). Algorithms developed to predict the effect of sequence changes on RNA splicing suggest that this variant may create or strengthen a splice site. In summary, the available evidence is currently insufficient to determine the role of this variant in disease. Therefore, it has been classified as a Variant of Uncertain Significance.

NM_001291303.3(FAT4):c.7777G>A (p.Gly2593Arg)

Gene: FAT4 (FAT atypical cadherin 4; plus strand). Cytogenetic location: 4q28.1.
Variant type: single nucleotide variant.
Coding change: c.7777G>A on transcript NM_001291303.3 (MANE Select); coding-DNA position 7777, G replaced by A.
Protein change: p.Gly2593Arg; replaces glycine 2593 with arginine.
Molecular consequence: missense variant.
Genome position (GRCh38, 1-based): chr4:125,448,787, G>A. VCF-style: chr4-125448787-G-A. GRCh37 (hg19) VCF-style: chr4-126369942-G-A.
Other names: c.7777G>A, p.Gly2593Arg (NM_001291285.3); c.7771G>A, p.Gly2591Arg (NM_024582.6); short protein forms G2591R, G2593R.
Identifiers: ClinVar variation 2093422 (VCV002093422.2), dbSNP rs2530891054, ClinGen allele CA358141647.
Genomic context (GRCh38, chr4:125,448,787, plus strand): 5'-GAACAAACGTTCATGTTTCCTGAAAACCAACCAGTCAGCTCTCTTGTCACCACCATCACA[G>A]GATCCTCTTTAAGAGGAGAACCTATGTCATATTATATCGCAAGTGGGAATCTTGGCAATA-3'
Protein context (NP_001278232.1, residues 2583-2603): PVSSLVTTIT[Gly2593Arg]SSLRGEPMSY